The following is an entry in ClinVar:

ClinVar aggregate classification (germline): Uncertain significance. Review status: criteria provided, multiple submitters, no conflicts (2 of 4 stars). 2 submissions from 2 submitters: Uncertain significance (2). Last evaluated 2026-03-11.

Conditions:
Tuberous sclerosis 1 (TSC1). Identifiers: Orphanet 805, MedGen C1854465, MONDO:0008612, OMIM 191100.
Hereditary cancer-predisposing syndrome. Also called: Hereditary Cancer Syndrome; Neoplastic Syndromes, Hereditary; Tumor predisposition; Hereditary neoplastic syndrome. Identifiers: Orphanet 140162, MedGen C0027672, MeSH D009386, MONDO:0015356.

Submissions (2):

Ambry Genetics
Classification: Uncertain significance for Hereditary cancer-predisposing syndrome. Last evaluated: 2026-03-11. Review status: criteria provided, single submitter. Criteria: Ambry Variant Classification Scheme 2023. Collection method: clinical testing. Allele origin: germline.
Comment: The p.I60V variant (also known as c.178A>G), located in coding exon 2 of the TSC1 gene, results from an A to G substitution at nucleotide position 178. The isoleucine at codon 60 is replaced by valine, an amino acid with highly similar properties. This amino acid position is conserved. In addition, the in silico prediction for this alteration is inconclusive. Based on the available evidence, the clinical significance of this variant remains unclear.

Labcorp Genetics (formerly Invitae), Labcorp
Classification: Uncertain significance for Tuberous sclerosis 1. Last evaluated: 2024-09-02. Review status: criteria provided, single submitter. Criteria: Invitae Variant Classification Sherloc (09022015). Collection method: clinical testing. Allele origin: germline.
Comment: This sequence change replaces isoleucine, which is neutral and non-polar, with valine, which is neutral and non-polar, at codon 60 of the TSC1 protein (p.Ile60Val). This variant is not present in population databases (gnomAD no frequency). This variant has not been reported in the literature in individuals affected with TSC1-related conditions. Invitae Evidence Modeling of protein sequence and biophysical properties (such as structural, functional, and spatial information, amino acid conservation, physicochemical variation, residue mobility, and thermodynamic stability) indicates that this missense variant is not expected to disrupt TSC1 protein function with a negative predictive value of 95%. In summary, the available evidence is currently insufficient to determine the role of this variant in disease. Therefore, it has been classified as a Variant of Uncertain Significance.

NM_000368.5(TSC1):c.178A>G (p.Ile60Val)

Gene: TSC1 (TSC complex subunit 1; minus strand). Cytogenetic location: 9q34.13.
Variant type: single nucleotide variant.
Coding change: c.178A>G on transcript NM_000368.5 (MANE Select); coding-DNA position 178, A replaced by G.
Protein change: p.Ile60Val; replaces isoleucine 60 with valine.
Molecular consequence: missense variant. On other transcripts: 5 prime UTR variant (9), non-coding transcript variant (4), intron variant (9).
Genome position (GRCh38, 1-based): chr9:132,927,233, T>C on the plus strand (A>G on the coding strand, the complement: TSC1 is on the minus strand). VCF-style: chr9-132927233-T-C. GRCh37 (hg19) VCF-style: chr9-135802620-T-C.
Other names: c.178A>G, p.Ile60Val (NM_001162427.2, NM_001406592.1, NM_001406593.1 and 21 more transcripts); c.-311A>G (NM_001406615.1, NM_001406623.1); c.-278A>G (NM_001406616.1, NM_001406624.1); c.-700A>G (NM_001406626.1, NM_001406627.1, NM_001406628.1); c.-842A>G (NM_001406629.1); c.-916A>G (NM_001406630.1); c.-153-1494A>G (NM_001406620.1, NM_001406618.1, NM_001406625.1 and 5 more transcripts); c.-245-1494A>G (NM_001406614.1); short protein forms I60V.
Identifiers: ClinVar variation 3674409 (VCV003674409.3).